The following is an entry in ClinVar:

ClinVar aggregate classification (germline): Uncertain significance. Review status: criteria provided, multiple submitters, no conflicts (2 of 4 stars). 2 submissions from 2 submitters: Uncertain significance (2). Last evaluated 2022-11-10.

Conditions:
Inborn genetic diseases. Identifiers: MedGen C0950123, MeSH D030342.

Allele frequency attached by ClinVar (database versions not stated): TOPMed 0.00001; gnomAD exomes below 0.00001; ExAC 0.00001.
gnomAD v4.1: 3 of 1,613,890 alleles (0.00019%); highest among the groups gnomAD compares: Admixed American, 0.005%; no homozygotes.

Submissions (2):

Ambry Genetics
Classification: Uncertain significance for Inborn genetic diseases. Last evaluated: 2022-11-10. Review status: criteria provided, single submitter. Criteria: Ambry Variant Classification Scheme 2023. Collection method: clinical testing. Allele origin: germline.

Labcorp Genetics (formerly Invitae), Labcorp
Classification: Uncertain significance. Last evaluated: 2022-09-06. Review status: criteria provided, single submitter. Criteria: Invitae Variant Classification Sherloc (09022015). Collection method: clinical testing. Allele origin: germline.
Comment: This sequence change replaces threonine, which is neutral and polar, with serine, which is neutral and polar, at codon 871 of the CDH23 protein (p.Thr871Ser). This variant is present in population databases (rs773132619, gnomAD 0.006%). This variant has not been reported in the literature in individuals affected with CDH23-related conditions. Algorithms developed to predict the effect of missense changes on protein structure and function are either unavailable or do not agree on the potential impact of this missense change (SIFT: "Deleterious"; PolyPhen-2: "Not Available"; Align-GVGD: "Class C55"). In summary, the available evidence is currently insufficient to determine the role of this variant in disease. Therefore, it has been classified as a Variant of Uncertain Significance.

NM_022124.6(CDH23):c.2612C>G (p.Thr871Ser)

Gene: CDH23 (cadherin related 23; plus strand). Cytogenetic location: 10q22.1.
Variant type: single nucleotide variant.
Coding change: c.2612C>G on transcript NM_022124.6 (MANE Select); coding-DNA position 2612, C replaced by G.
Protein change: p.Thr871Ser; replaces threonine 871 with serine.
Molecular consequence: missense variant.
Genome position (GRCh38, 1-based): chr10:71,702,573, C>G. VCF-style: chr10-71702573-C-G. GRCh37 (hg19) VCF-style: chr10-73462330-C-G.
Other names: c.2612C>G, p.Thr871Ser (NM_001171930.2, NM_001171931.2); c.2612C>G (NM_022124.5); short protein forms T871S.
Identifiers: ClinVar variation 2325696 (VCV002325696.5), dbSNP rs773132619, ClinGen allele CA5544287.